The following is an entry in ClinVar:

NM_145207.3(AFG2A):c.785del (p.Asn262fs)

Gene: AFG2A (AAA ATPase AFG2A; plus strand). Cytogenetic location: 4q28.1.
Variant type: Deletion.
Coding change: c.785del on transcript NM_145207.3 (MANE Select); coding-DNA position 785, one base deleted (A; older notation c.785delA).
Protein change: p.Asn262fs; shifts the reading frame from asparagine 262.
Molecular consequence: frameshift variant.
Genome position (GRCh38, 1-based): chr4:122,934,376, A deleted; the last of 3 consecutive A bases (chr4:122,934,374-122,934,376); deleting any one gives the same sequence. VCF-style (leftmost placement, unchanged base first): chr4-122934373-CA-C. GRCh37 (hg19) VCF-style: chr4-123855528-CA-C.
Other names: c.782del, p.Asn261fs (NM_001317799.2, NM_001345856.2); short protein forms N262fs, N261fs.
Identifiers: ClinVar variation 949726 (VCV000949726.6), dbSNP rs1728940158, ClinGen allele CA1139658642.
Genomic context (GRCh38, chr4:122,934,373, plus strand): 5'-AGGATACCCAGATCCCAACATCAAGAAGTACTCCTTATAAACCAATTGATGACAGAATTA[CA>C]AATAAAGCCAGTGATGTTTTGCTGGATGTTACACAGAGCCCTGGAGATGGCAGTGGACTT-3'

ClinVar aggregate classification (germline): Pathogenic (1 of 4 stars; one submission).

Conditions:
Microcephaly-intellectual disability-sensorineural hearing loss-epilepsy-abnormal muscle tone syndrome (NEDHSB). Also called: NEURODEVELOPMENTAL DISORDER WITH HEARING LOSS, SEIZURES, AND BRAIN ABNORMALITIES. Identifiers: Orphanet 457351, MedGen C4225276, MONDO:0014698, OMIM 616577.

Submission:

Labcorp Genetics (formerly Invitae), Labcorp
Classification: Pathogenic for Microcephaly-intellectual disability-sensorineural hearing loss-epilepsy-abnormal muscle tone syndrome. Last evaluated: 2020-04-16. Review status: criteria provided, single submitter. Criteria: Invitae Variant Classification Sherloc (09022015). Collection method: clinical testing. Allele origin: germline.
Comment: This sequence change creates a premature translational stop signal (p.Asn262Ilefs*22) in the SPATA5 gene. It is expected to result in an absent or disrupted protein product. For these reasons, this variant has been classified as Pathogenic. Loss-of-function variants in SPATA5 are known to be pathogenic (PMID: 26299366). This variant has not been reported in the literature in individuals with SPATA5-related conditions. This variant is not present in population databases (ExAC no frequency).

Literature cited by the submitters: PubMed 26299366.